The following is an entry in ClinVar:

ClinVar aggregate classification (germline): Likely pathogenic (1 of 4 stars; one submission).

Conditions:
Microphthalmia, isolated, with coloboma 9 (MCOPCB9). Identifiers: Orphanet 98938, MedGen C3554592, MONDO:0014059, OMIM 615145.

Submission:

First Genomix Gene Laboratory, Genetic Diagnostics Department
Classification: Likely pathogenic for Microphthalmia, isolated, with coloboma 9. Last evaluated: 2025-09-19. Review status: criteria provided, single submitter. Criteria: ACMG Guidelines, 2015. Collection method: clinical testing. Allele origin: germline. Inheritance: Autosomal recessive inheritance. Affected: no. Observed: 1 variant allele.

NM_001080477.4(TENM3):c.1119del (p.Gly374fs)

Gene: TENM3 (teneurin transmembrane protein 3; plus strand). Cytogenetic location: 4q35.1.
Variant type: Deletion.
Coding change: c.1119del on transcript NM_001080477.4 (MANE Select); coding-DNA position 1119, one base deleted (A; older notation c.1119delA).
Protein change: p.Gly374fs; shifts the reading frame from glycine 374.
Molecular consequence: frameshift variant.
Genome position (GRCh38, 1-based): chr4:182,673,012, A deleted. VCF-style (leftmost placement, unchanged base first): chr4-182673011-TA-T. GRCh37 (hg19) VCF-style: chr4-183594164-TA-T.
Other names: c.303del, p.Gly102fs (NM_001415960.1, NM_001415961.1, NM_001415962.1 and 2 more transcripts); c.840del, p.Gly281fs (NM_001415966.1, NM_001415967.1, NM_001415976.1 and 1 more transcripts); c.1119del, p.Gly374fs (NM_001415968.1, NM_001415969.1, NM_001415970.1 and 4 more transcripts); short protein forms G102fs, G281fs, G374fs.
Identifiers: ClinVar variation 4850408 (VCV004850408.1).
Genomic context (GRCh38, chr4:182,673,011, plus strand): 5'-GTTTTGTTTTTTTAAAAAAAATTTGTTCTTCATCAGTGCATCTCTTACATTCAGGAAAAT[TA>T]GGTGGATTTACGCAAGAAAATAACACCATAGATTCCGGAGAACTTGATATTGGCCGAAGA-3'